The following is an entry in ClinVar:

ClinVar aggregate classification (germline): Uncertain significance (1 of 4 stars; one submission).

Conditions:
Pheochromocytoma/paraganglioma syndrome 5. Also called: Paragangliomas 5; SDHA-Related Hereditary Paraganglioma-Pheochromocytoma Syndrome. Identifiers: Orphanet 29072, MedGen C3279992, MONDO:0013602, OMIM 614165.
Mitochondrial complex II deficiency, nuclear type 1. Also called: SUCCINATE CoQ REDUCTASE DEFICIENCY. Identifiers: Orphanet 3208, MedGen C5700310, MONDO:0100294, OMIM 252011.

gnomAD v4.1: 1 of 1,614,178 alleles (0.000062%); highest among the groups gnomAD compares: East Asian, 0.0022%; no homozygotes.

Submission:

Labcorp Genetics (formerly Invitae), Labcorp
Classification: Uncertain significance for Pheochromocytoma/paraganglioma syndrome 5; Mitochondrial complex II deficiency, nuclear type 1. Last evaluated: 2022-05-27. Review status: criteria provided, single submitter. Criteria: Invitae Variant Classification Sherloc (09022015). Collection method: clinical testing. Allele origin: germline.
Comment: In summary, the available evidence is currently insufficient to determine the role of this variant in disease. Therefore, it has been classified as a Variant of Uncertain Significance. Algorithms developed to predict the effect of missense changes on protein structure and function are either unavailable or do not agree on the potential impact of this missense change (SIFT: "Deleterious"; PolyPhen-2: "Benign"; Align-GVGD: "Class C0"). This variant has not been reported in the literature in individuals affected with SDHA-related conditions. This variant is not present in population databases (gnomAD no frequency). This sequence change replaces asparagine, which is neutral and polar, with serine, which is neutral and polar, at codon 416 of the SDHA protein (p.Asn416Ser).

NM_004168.4(SDHA):c.1247A>G (p.Asn416Ser)

Gene: SDHA (succinate dehydrogenase complex flavoprotein subunit A; plus strand). Cytogenetic location: 5p15.33.
Variant type: single nucleotide variant.
Coding change: c.1247A>G on transcript NM_004168.4 (MANE Select); coding-DNA position 1247, A replaced by G.
Protein change: p.Asn416Ser; replaces asparagine 416 with serine.
Molecular consequence: missense variant.
Genome position (GRCh38, 1-based): chr5:235,326, A>G. VCF-style: chr5-235326-A-G. GRCh37 (hg19) VCF-style: chr5-235441-A-G.
Other names: c.1103A>G, p.Asn368Ser (NM_001294332.2); c.1247A>G, p.Asn416Ser (NM_001330758.2); short protein forms N416S, N368S.
Identifiers: ClinVar variation 1999263 (VCV001999263.4), dbSNP rs1409603646, ClinGen allele CA359013753.
Genomic context (GRCh38, chr5:235,326, plus strand): 5'-CGAAGGAGCCGATCCCTGTCCTCCCCACCGTGCATTATAACATGGGCGGCATTCCCACCA[A>G]CTACAAGGGGCAGGTGATGGTGCTGGCTCCTCCCCCACAGCTGGAAAGAAGGCTGGGACG-3'
Protein context (NP_004159.2, residues 406-426): VHYNMGGIPT[Asn416Ser]YKGQVLRHVN